The following is an entry in ClinVar:

NM_001098671.2(RASGRP2):c.1095G>A (p.Thr365=)

Gene: RASGRP2 (RAS guanyl releasing protein 2; minus strand). Cytogenetic location: 11q13.1.
Variant type: single nucleotide variant.
Coding change: c.1095G>A on transcript NM_001098671.2 (MANE Select); coding-DNA position 1095, G replaced by A.
Protein change: p.Thr365=; no amino-acid change (threonine 365 retained).
Molecular consequence: synonymous variant.
Genome position (GRCh38, 1-based): chr11:64,736,753, C>T on the plus strand (G>A on the coding strand, the complement: RASGRP2 is on the minus strand). VCF-style: chr11-64736753-C-T. GRCh37 (hg19) VCF-style: chr11-64504225-C-T.
Other names: c.1095G>A, p.Thr365= (NM_001098670.2, NM_153819.2); c.660G>A, p.Thr220= (NM_001318398.2).
Identifiers: ClinVar variation 3645808 (VCV003645808.2).

ClinVar aggregate classification (germline): Uncertain significance (1 of 4 stars; one submission).

gnomAD v4.1: 9 of 1,580,580 alleles (0.00057%); highest among the groups gnomAD compares: East Asian, 0.0023%; no homozygotes.

Submission:

Labcorp Genetics (formerly Invitae), Labcorp
Classification: Uncertain significance. Last evaluated: 2024-04-25. Review status: criteria provided, single submitter. Criteria: Invitae Variant Classification Sherloc (09022015). Collection method: clinical testing. Allele origin: germline.
Comment: This sequence change affects codon 365 of the RASGRP2 mRNA. It is a 'silent' change, meaning that it does not change the encoded amino acid sequence of the RASGRP2 protein. This variant also falls at the last nucleotide of exon 9, which is part of the consensus splice site for this exon. The frequency data for this variant in the population databases is considered unreliable, as metrics indicate poor data quality at this position in the gnomAD database. This variant has not been reported in the literature in individuals affected with RASGRP2-related conditions. Variants that disrupt the consensus splice site are a relatively common cause of aberrant splicing (PMID: 17576681, 9536098). Algorithms developed to predict the effect of sequence changes on RNA splicing suggest that this variant is not likely to affect RNA splicing. In summary, the available evidence is currently insufficient to determine the role of this variant in disease. Therefore, it has been classified as a Variant of Uncertain Significance.

Literature cited by the submitters: PubMed 17576681; PubMed 9536098.